The following is an entry in ClinVar:

ClinVar aggregate classification (germline): Likely benign (1 of 4 stars; one submission).

Allele frequency attached by ClinVar (database versions not stated): gnomAD 0.00005; ESP Exome Variant Server 0.00015.
gnomAD v4.1: 155 of 1,612,504 alleles (0.0096%); highest among the groups gnomAD compares: Middle Eastern, 0.13%; 1 homozygote.

Submission:

CeGaT Center for Human Genetics Tuebingen
Classification: Likely benign. Last evaluated: 2022-07-01. Review status: criteria provided, single submitter. Criteria: CeGaT Center For Human Genetics Tuebingen Variant Classification Criteria Version 2. Collection method: clinical testing. Allele origin: germline. Affected: yes. Observed: 1 variant allele.
Comment: ZNF750: BP4, BP7

NM_024702.3(ZNF750):c.429G>A (p.Pro143=)

Genes: TBCD (tubulin folding cofactor D), ZNF750 (zinc finger protein 750; minus strand). Cytogenetic location: 17q25.3.
Variant type: single nucleotide variant.
Coding change: c.429G>A on transcript NM_024702.3 (MANE Select); coding-DNA position 429, G replaced by A.
Protein change: p.Pro143=; no amino-acid change (proline 143 retained).
Molecular consequence: synonymous variant. On other transcripts: intron variant (3).
Genome position (GRCh38, 1-based): chr17:82,832,026, C>T on the plus strand (G>A on the coding strand, the complement: ZNF750 is on the minus strand). VCF-style: chr17-82832026-C-T. GRCh37 (hg19) VCF-style: chr17-80789902-C-T.
Other names: c.1318+17092C>T (NM_005993.5, NM_001411102.1); c.1267+17092C>T (NM_001411101.1).
Identifiers: ClinVar variation 2648501 (VCV002648501.24), dbSNP rs142460137, ClinGen allele CA8862426.